The following is an entry in ClinVar:

ClinVar aggregate classification (germline): Uncertain significance (1 of 4 stars; one submission).

Conditions:
RASopathy. Also called: rasopathies; Noonan spectrum disorder. Identifiers: Orphanet 536391, MedGen C5555857, MONDO:0021060.

gnomAD v4.1: 1 of 1,613,772 alleles (0.000062%); highest among the groups gnomAD compares: Non-Finnish European, 0.000085%; no homozygotes.

Submission:

Labcorp Genetics (formerly Invitae), Labcorp
Classification: Uncertain significance for RASopathy. Last evaluated: 2024-10-04. Review status: criteria provided, single submitter. Criteria: Invitae Variant Classification Sherloc (09022015). Collection method: clinical testing. Allele origin: germline.
Comment: This sequence change replaces cysteine, which is neutral and slightly polar, with tyrosine, which is neutral and polar, at codon 729 of the CBL protein (p.Cys729Tyr). This variant is not present in population databases (gnomAD no frequency). This variant has not been reported in the literature in individuals affected with CBL-related conditions. Invitae Evidence Modeling of protein sequence and biophysical properties (such as structural, functional, and spatial information, amino acid conservation, physicochemical variation, residue mobility, and thermodynamic stability) indicates that this missense variant is not expected to disrupt CBL protein function with a negative predictive value of 95%. In summary, the available evidence is currently insufficient to determine the role of this variant in disease. Therefore, it has been classified as a Variant of Uncertain Significance.

NM_005188.4(CBL):c.2186G>A (p.Cys729Tyr)

Gene: CBL (Cbl proto-oncogene; plus strand). Cytogenetic location: 11q23.3.
Variant type: single nucleotide variant.
Coding change: c.2186G>A on transcript NM_005188.4 (MANE Select); coding-DNA position 2186, G replaced by A.
Protein change: p.Cys729Tyr; replaces cysteine 729 with tyrosine.
Molecular consequence: missense variant.
Genome position (GRCh38, 1-based): chr11:119,297,416, G>A. VCF-style: chr11-119297416-G-A. GRCh37 (hg19) VCF-style: chr11-119168126-G-A.
Other names: short protein forms C729Y.
Identifiers: ClinVar variation 3711434 (VCV003711434.2).